The following is an entry in ClinVar:

ClinVar aggregate classification (germline): Pathogenic. Review status: reviewed by expert panel (3 of 4 stars). 6 submissions from 6 submitters: Pathogenic (1). 5 of the submissions do not count toward it. Last evaluated 2017-12-15.

Conditions:
Breast-ovarian cancer, familial, susceptibility to, 2 (BROVCA2). Also called: BRCA2 Hereditary Breast and Ovarian Cancer. Identifiers: Orphanet 145, MedGen C2675520, MONDO:0012933, OMIM 612555. Disease mechanism: loss of function.
Hereditary breast ovarian cancer syndrome. Also called: Hereditary breast and ovarian cancer; Hereditary breast and ovarian cancer syndrome; Hereditary breast and ovarian cancer syndrome (HBOC); Hereditary breast and/or ovarian cancer syndrome; Breast and ovarian cancer; BRCA1- and BRCA2-Associated Hereditary Breast and Ovarian Cancer. Identifiers: Orphanet 145, MedGen C0677776, MeSH D061325, MONDO:0003582. Disease mechanism: loss of function.

Submissions (6):

Evidence-based Network for the Interpretation of Germline Mutant Alleles (ENIGMA)
Classification: Pathogenic for Breast-ovarian cancer, familial, susceptibility to, 2. Last evaluated: 2017-12-15. Review status: reviewed by expert panel. Criteria: ENIGMA BRCA1/2 Classification Criteria (2017-06-29). Collection method: curation. Allele origin: germline. Study: ENIGMA.
Comment: Variant allele predicted to encode a truncated non-functional protein.

Dasa
Classification: Pathogenic for Breast-ovarian cancer, familial, susceptibility to, 2. Last evaluated: 2025-12-16. Review status: criteria provided, single submitter. Criteria: DASA Assertion Criteria. Collection method: clinical testing. Allele origin: germline. Not counted in ClinVar's aggregate classification.
Comment: NM_000059.4(BRCA2):c.6034del (p.Ser2012Profs*28) introduces a premature termination codon predicted to result in loss of normal protein function. Loss-of-function is an established mechanism of disease for this gene. The affected residue or protein region has prior evidence supporting clinical relevance. The variant is present at low frequency in population datasets. Based on the available data, this variant is classified as pathogenic.

Labcorp Genetics (formerly Invitae), Labcorp
Classification: Pathogenic for Hereditary breast ovarian cancer syndrome. Last evaluated: 2025-04-03. Review status: criteria provided, single submitter. Criteria: Invitae Variant Classification Sherloc (09022015). Collection method: clinical testing. Allele origin: germline. Not counted in ClinVar's aggregate classification.
Comment: This sequence change creates a premature translational stop signal (p.Ser2012Profs*28) in the BRCA2 gene. It is expected to result in an absent or disrupted protein product. Loss-of-function variants in BRCA2 are known to be pathogenic (PMID: 20104584). This variant is not present in population databases (gnomAD no frequency). This premature translational stop signal has been observed in individual(s) with breast cancer (PMID: 29884136). ClinVar contains an entry for this variant (Variation ID: 427240). For these reasons, this variant has been classified as Pathogenic.

Genologica Medica
Classification: Pathogenic for Breast-ovarian cancer, familial, susceptibility to, 2. Last evaluated: 2017-01-01. Review status: criteria provided, single submitter. Criteria: ACMG Guidelines, 2015. Collection method: clinical testing. Allele origin: germline. Affected: yes. Not counted in ClinVar's aggregate classification.

GeneDx
Classification: Pathogenic. Last evaluated: 2016-11-18. Review status: criteria provided, single submitter. Criteria: GeneDx Variant Classification (06012015). Collection method: clinical testing. Allele origin: germline. Affected: yes. Not counted in ClinVar's aggregate classification.
Comment: This deletion of one nucleotide in BRCA2 is denoted c.6034delT at the cDNA level and p.Ser2012ProfsX28 (S2012PfsX28) at the protein level. Using alternate nomenclature this variant would be defined as BRCA2 6262delT. The normal sequence, with the base that is deleted in brackets, is CTTT[delT]CCAA. The deletion causes a frameshift which changes a Serine to a Proline at codon 2012, and creates a premature stop codon at position 28 of the new reading frame. Although this variant has not, to our knowledge, been reported in the literature, it is predicted to cause loss of normal protein function through either protein truncation or nonsense-mediated mRNA decay. We consider this variant to be pathogenic.

BRCAlab, Lund University
Classification: Pathogenic for Breast-ovarian cancer, familial, susceptibility to, 2. Last evaluated: 2022-08-26. Review status: no assertion criteria provided. Collection method: clinical testing. Allele origin: germline. Affected: yes. Not counted in ClinVar's aggregate classification.

Literature cited by the submitters: PubMed 20104584 (cited by Labcorp Genetics (formerly Invitae), Labcorp); PubMed 29884136 (cited by Labcorp Genetics (formerly Invitae), Labcorp).

NM_000059.4(BRCA2):c.6034del (p.Ser2012fs)

Gene: BRCA2 (BRCA2 DNA repair associated; plus strand). Cytogenetic location: 13q13.1.
Variant type: Deletion.
Coding change: c.6034del on transcript NM_000059.4 (MANE Select); coding-DNA position 6034, one base deleted (T; older notation c.6034delT).
Protein change: p.Ser2012fs; shifts the reading frame from serine 2012.
Molecular consequence: frameshift variant.
Genome position (GRCh38, 1-based): chr13:32,340,389, T deleted; the last of 4 consecutive T bases (chr13:32,340,386-32,340,389); deleting any one gives the same sequence. VCF-style (leftmost placement, unchanged base first): chr13-32340385-CT-C. GRCh37 (hg19) VCF-style: chr13-32914522-CT-C.
Other names: c.6034delT (NM_000059.3); short protein forms S2012fs.
Identifiers: ClinVar variation 427240 (VCV000427240.32), dbSNP rs397507823, ClinGen allele CA645294073.
Genomic context (GRCh38, chr13:32,340,385, plus strand): 5'-TGCTTCATTACAAAACGCAAGACAAGTGTTTTCTGAAATAGAAGATAGTACCAAGCAAGT[CT>C]TTTCCAAAGTATTGTTTAAAAGTAACGAACATTCAGACCAGCTCACAAGAGAAGAAAATA-3'